The following is an entry in ClinVar:

ClinVar aggregate classification (germline): Pathogenic/Likely pathogenic. Review status: criteria provided, multiple submitters, no conflicts (2 of 4 stars). 2 submissions from 2 submitters: Pathogenic (1); Likely pathogenic (1). Last evaluated 2025-03-18.

Conditions:
Autosomal recessive Alport syndrome (ATS2). Also called: COL4A3-Related Nephropathy; COL4A4 Alport Syndrome and Thin Basement Membrane Nephropathy; ALPORT SYNDROME 2, AUTOSOMAL RECESSIVE; Alport syndrome type 2. Identifiers: Orphanet 63, Orphanet 88919, MedGen C4746745, MONDO:0008762, OMIM 203780.

Submissions (2):

Women's Health and Genetics/Laboratory Corporation of America, LabCorp
Classification: Likely pathogenic for Autosomal recessive Alport syndrome. Last evaluated: 2025-03-18. Review status: criteria provided, single submitter. Criteria: LabCorp Variant Classification Summary - May 2015. Collection method: clinical testing. Allele origin: germline.
Comment: Variant summary: COL4A3 c.1408+1G>T is located in a canonical splice-site and is predicted to affect mRNA splicing resulting in a significantly altered protein due to either exon skipping, shortening, or inclusion of intronic material. Variants that disrupt the consensus splice site are a relatively common cause of aberrant splicing and loss of COL4A3 function. Several computational tools predict a significant impact on normal splicing: Four predict the variant abolishes a 5' splicing donor site. However, these predictions have yet to be confirmed by functional studies. The variant was absent in 248876 control chromosomes. To our knowledge, no occurrence of c.1408+1G>T in individuals affected with Alport Syndrome, Autosomal Recessive and no experimental evidence demonstrating its impact on protein function have been reported. ClinVar contains an entry for this variant (Variation ID: 3682556). Based on the evidence outlined above, the variant was classified as likely pathogenic.

Labcorp Genetics (formerly Invitae), Labcorp
Classification: Pathogenic. Last evaluated: 2024-04-06. Review status: criteria provided, single submitter. Criteria: Invitae Variant Classification Sherloc (09022015). Collection method: clinical testing. Allele origin: germline.
Comment: This sequence change affects a donor splice site in intron 22 of the COL4A3 gene. It is expected to disrupt RNA splicing. Variants that disrupt the donor or acceptor splice site typically lead to a loss of protein function (PMID: 16199547), and loss-of-function variants in COL4A3 are known to be pathogenic (PMID: 8956999, 24854265, 26809805, 27281700). This variant is not present in population databases (gnomAD no frequency). Disruption of this splice site has been observed in individuals with clinical features of Alport syndrome (PMID: 33040356; Invitae). Algorithms developed to predict the effect of sequence changes on RNA splicing suggest that this variant may disrupt the consensus splice site. For these reasons, this variant has been classified as Pathogenic.

Literature cited by the submitters: PubMed 16199547 (cited by Labcorp Genetics (formerly Invitae), Labcorp); PubMed 8956999 (cited by Labcorp Genetics (formerly Invitae), Labcorp); PubMed 24854265 (cited by Labcorp Genetics (formerly Invitae), Labcorp); PubMed 26809805 (cited by Labcorp Genetics (formerly Invitae), Labcorp); PubMed 27281700 (cited by Labcorp Genetics (formerly Invitae), Labcorp); PubMed 33040356 (cited by Labcorp Genetics (formerly Invitae), Labcorp).

NM_000091.5(COL4A3):c.1408+1G>T

Genes: MFF-DT (MFF divergent transcript; minus strand), COL4A3 (collagen type IV alpha 3 chain; plus strand). Cytogenetic location: 2q36.3.
Variant type: single nucleotide variant.
Coding change: c.1408+1G>T on transcript NM_000091.5 (MANE Select); the canonical splice donor site of the intron after coding-DNA position 1408, G replaced by T.
Molecular consequence: splice donor variant.
Genome position (GRCh38, 1-based): chr2:227,266,510, G>T. VCF-style: chr2-227266510-G-T. GRCh37 (hg19) VCF-style: chr2-228131226-G-T.
Identifiers: ClinVar variation 3682556 (VCV003682556.2).